The following is an entry in ClinVar:

ClinVar aggregate classification (germline): Uncertain significance. Review status: criteria provided, multiple submitters, no conflicts (2 of 4 stars). 2 submissions from 2 submitters: Uncertain significance (2). Last evaluated 2026-06-12.

Conditions:
Hereditary cancer-predisposing syndrome. Also called: Neoplastic Syndromes, Hereditary; Tumor predisposition; Hereditary Cancer Syndrome; Hereditary neoplastic syndrome. Identifiers: Orphanet 140162, MedGen C0027672, MeSH D009386, MONDO:0015356.

Submissions (2):

Ambry Genetics
Classification: Uncertain significance for Hereditary cancer-predisposing syndrome. Last evaluated: 2026-06-12. Review status: criteria provided, single submitter. Criteria: Ambry Variant Classification Scheme 2023. Collection method: clinical testing. Allele origin: germline.
Comment: The p.F592S variant (also known as c.1775T>C), located in coding exon 13 of the PTCH1 gene, results from a T to C substitution at nucleotide position 1775. The phenylalanine at codon 592 is replaced by serine, an amino acid with highly dissimilar properties. This amino acid position is conserved. In addition, this alteration is predicted to be deleterious by in silico analysis. Based on the available evidence, the clinical significance of this variant remains unclear.

GeneDx
Classification: Uncertain significance. Last evaluated: 2023-03-22. Review status: criteria provided, single submitter. Criteria: GeneDx Variant Classification Process June 2021. Collection method: clinical testing. Allele origin: germline. Affected: yes.
Comment: Not observed at significant frequency in large population cohorts (gnomAD); In silico analysis supports that this missense variant has a deleterious effect on protein structure/function; Has not been previously published as pathogenic or benign to our knowledge; This variant is associated with the following publications: (PMID: 11369205)

NM_000264.5(PTCH1):c.1775T>C (p.Phe592Ser)

Genes: PTCH1 (patched 1; minus strand), LOC100507346 (uncharacterized LOC100507346; plus strand). Cytogenetic location: 9q22.32.
Variant type: single nucleotide variant.
Coding change: c.1775T>C on transcript NM_000264.5 (MANE Select); coding-DNA position 1775, T replaced by C.
Protein change: p.Phe592Ser; replaces phenylalanine 592 with serine.
Molecular consequence: missense variant. On other transcripts: non-coding transcript variant (2).
Genome position (GRCh38, 1-based): chr9:95,469,885, A>G on the plus strand (T>C on the coding strand, the complement: PTCH1 is on the minus strand). VCF-style: chr9-95469885-A-G. GRCh37 (hg19) VCF-style: chr9-98232167-A-G.
Other names: c.1577T>C, p.Phe526Ser (NM_001083602.3); c.1772T>C, p.Phe591Ser (NM_001083603.3); c.1322T>C, p.Phe441Ser (NM_001083604.3, NM_001083605.3, NM_001083606.3 and 1 more transcripts); c.1619T>C, p.Phe540Ser (NM_001354918.2); short protein forms F441S, F526S, F540S, F591S, F592S.
Identifiers: ClinVar variation 2580429 (VCV002580429.2), dbSNP rs2538159434, ClinGen allele CA374116378.